The following is an entry in ClinVar:

ClinVar aggregate classification (germline): Likely benign (1 of 4 stars; one submission).

Conditions:
TTR-related disorder. Also called: TTR-related condition; TTR-related disorders.

Submission:

PreventionGenetics, part of Exact Sciences
Classification: Likely benign for TTR-related condition. Last evaluated: 2026-05-09. Review status: criteria provided, single submitter. Criteria: ACMG Guidelines, 2015. Collection method: clinical testing. Allele origin: germline.
Comment: This variant is classified as likely benign based on ACMG/AMP sequence variant interpretation guidelines (Richards et al. 2015 PMID: 25741868, with internal and published modifications).

NM_000371.4(TTR):c.*13C>T

Gene: TTR (transthyretin; plus strand). Cytogenetic location: 18q12.1.
Variant type: single nucleotide variant.
Coding change: c.*13C>T on transcript NM_000371.4 (MANE Select); 13 bases downstream of the stop codon, C replaced by T.
Molecular consequence: 3 prime UTR variant.
Genome position (GRCh38, 1-based): chr18:31,598,688, C>T. VCF-style: chr18-31598688-C-T. GRCh37 (hg19) VCF-style: chr18-29178651-C-T.
Identifiers: ClinVar variation 4984769 (VCV004984769.1).